The following is an entry in ClinVar:

NM_006070.6(TFG):c.184+6A>C

Gene: TFG (trafficking from ER to golgi regulator; plus strand). Cytogenetic location: 3q12.2.
Variant type: single nucleotide variant.
Coding change: c.184+6A>C on transcript NM_006070.6 (MANE Select); 6 bases into the intron after coding-DNA position 184, A replaced by C.
Molecular consequence: intron variant.
Genome position (GRCh38, 1-based): chr3:100,713,875, A>C. VCF-style: chr3-100713875-A-C. GRCh37 (hg19) VCF-style: chr3-100432719-A-C.
Other names: c.184+6A>C (NM_001007565.2, NM_001195479.2, NM_001195478.2).
Identifiers: ClinVar variation 2947382 (VCV002947382.3), dbSNP rs2472057641, ClinGen allele CA2666759479.

ClinVar aggregate classification (germline): Uncertain significance (1 of 4 stars; one submission).

Conditions:
Hereditary motor and sensory neuropathy, Okinawa type (HMSNO). Also called: HEREDITARY MOTOR AND SENSORY NEUROPATHY, PROXIMAL TYPE. Identifiers: Orphanet 90117, MedGen C1858338, MONDO:0011468, OMIM 604484.
Hereditary spastic paraplegia 57. Also called: Spastic paraplegia 57, autosomal recessive. Identifiers: Orphanet 431329, MedGen C3714897, MONDO:0014295, OMIM 615658.

Allele frequency attached by ClinVar (database versions not stated): gnomAD exomes below 0.00001.
gnomAD v4.1: 1 of 1,418,040 alleles (0.000071%); highest among the groups gnomAD compares: Non-Finnish European, 0.000095%; no homozygotes.

Submission:

Labcorp Genetics (formerly Invitae), Labcorp
Classification: Uncertain significance for Hereditary motor and sensory neuropathy, Okinawa type; Hereditary spastic paraplegia 57. Last evaluated: 2023-05-01. Review status: criteria provided, single submitter. Criteria: Invitae Variant Classification Sherloc (09022015). Collection method: clinical testing. Allele origin: germline.
Comment: In summary, the available evidence is currently insufficient to determine the role of this variant in disease. Therefore, it has been classified as a Variant of Uncertain Significance. Variants that disrupt the consensus splice site are a relatively common cause of aberrant splicing (PMID: 17576681, 9536098). Algorithms developed to predict the effect of sequence changes on RNA splicing suggest that this variant is not likely to affect RNA splicing. This variant has not been reported in the literature in individuals affected with TFG-related conditions. This variant is not present in population databases (gnomAD no frequency). This sequence change falls in intron 2 of the TFG gene. It does not directly change the encoded amino acid sequence of the TFG protein. It affects a nucleotide within the consensus splice site.

Literature cited by the submitters: PubMed 17576681; PubMed 9536098.